The following is an entry in ClinVar:

ClinVar aggregate classification (germline): Uncertain significance (1 of 4 stars; one submission).

Submission:

Labcorp Genetics (formerly Invitae), Labcorp
Classification: Uncertain significance. Last evaluated: 2021-09-26. Review status: criteria provided, single submitter. Criteria: Invitae Variant Classification Sherloc (09022015). Collection method: clinical testing. Allele origin: germline.
Comment: In summary, the available evidence is currently insufficient to determine the role of this variant in disease. Therefore, it has been classified as a Variant of Uncertain Significance. Algorithms developed to predict the effect of missense changes on protein structure and function are either unavailable or do not agree on the potential impact of this missense change (SIFT: "Tolerated"; PolyPhen-2: "Probably Damaging"; Align-GVGD: "Class C0"). This variant has not been reported in the literature in individuals affected with ABHD12-related conditions. This variant is not present in population databases (ExAC no frequency). This sequence change replaces proline with threonine at codon 117 of the ABHD12 protein (p.Pro117Thr). The proline residue is highly conserved and there is a small physicochemical difference between proline and threonine.

NM_001042472.3(ABHD12):c.349C>A (p.Pro117Thr)

Gene: ABHD12 (abhydrolase domain containing 12, lysophospholipase; minus strand). Cytogenetic location: 20p11.21.
Variant type: single nucleotide variant.
Coding change: c.349C>A on transcript NM_001042472.3 (MANE Select); coding-DNA position 349, C replaced by A.
Protein change: p.Pro117Thr; replaces proline 117 with threonine.
Molecular consequence: missense variant.
Genome position (GRCh38, 1-based): chr20:25,323,398, G>T on the plus strand (C>A on the coding strand, the complement: ABHD12 is on the minus strand). VCF-style: chr20-25323398-G-T. GRCh37 (hg19) VCF-style: chr20-25304034-G-T.
Other names: c.349C>A, p.Pro117Thr (NM_015600.5); short protein forms P117T.
Identifiers: ClinVar variation 1418196 (VCV001418196.6), dbSNP rs2145980234, ClinGen allele CA408444927.